The following is an entry in ClinVar:

ClinVar aggregate classification (germline): Pathogenic. Review status: criteria provided, multiple submitters, no conflicts (2 of 4 stars). 5 submissions from 5 submitters: Pathogenic (5). Last evaluated 2026-10-29.

Conditions:
Hypothyroidism due to TSH receptor mutations. Also called: HYPOTHYROIDISM, CONGENITAL, DUE TO TSH RESISTANCE; HYPOTHYROIDISM, NONAUTOIMMUNE; THYROID-STIMULATING HORMONE, RESISTANCE TO; TSH RESISTANCE; Hypothyroidism, congenital, nongoitrous, 1; HYPOTHYROIDISM DUE TO UNRESPONSIVENESS TO THYROTROPIN. Identifiers: Orphanet 90673, MedGen C3493776, MONDO:0010142, OMIM 275200.

gnomAD v4.1: 5 of 1,614,226 alleles (0.00031%); highest among the groups gnomAD compares: Non-Finnish European, 0.00042%; no homozygotes.

Submissions (5):

Department of Molecular Genetics, Istishari Arab Hospital
Classification: Pathogenic for Hypothyroidism due to TSH receptor mutations. Last evaluated: 2026-10-29. Review status: criteria provided, single submitter. Criteria: ACMG Guidelines, 2015. Collection method: clinical testing. Allele origin: germline. Inheritance: Autosomal recessive inheritance. Affected: no.
Comment: The TSHR variant c.1957C>G, p.Leu653Val creates an amino acid change from Leucine to Valine at position 653 in exon 10 (of 10). The variant is observed with very low frequency in the gnomAD v4.1.0 dataset. This variant was previously observed in individuals with autosomal recessive Hypothyroidism (PMID: 17456567‚ 19240155‚ 437071). This variant is classified as pathogenic based on the implementation of ACMG/AMP/ClinGen SVI guidelines.

3billion
Classification: Pathogenic for Hypothyroidism due to TSH receptor mutations. Last evaluated: 2025-12-04. Review status: criteria provided, single submitter. Criteria: ACMG Guidelines, 2015. Collection method: clinical testing. Allele origin: germline. Affected: yes.
Comment: The variant is observed at an extremely low frequency in the gnomAD v4.1.0 dataset (total allele frequency: <0.001%). Predicted Consequence/Location: Missense variant Functional studies provide strong evidence of the variant having a damaging effect on the gene or gene product (PMID: 17456567, 19240155). In silico tool predictions suggest damaging effect of the variant on gene or gene product [REVEL: 0.86 (>=0.6, sensitivity 0.68 and specificity 0.92); 3Cnet: 1.00 (> 0.75, sensitivity 0.96 and precision 0.92)]. The same nucleotide change resulting in the same amino acid change has been previously reported as pathogenic/likely pathogenic with strong evidence (ClinVar ID: VCV002736138 /PMID: 17456567). The variant has been reported to be in trans with a pathogenic variant as either compound heterozygous or homozygous in at least one similarly affected unrelated individual (PMID: 437071). Therefore, this variant is classified as Pathogenic according to the recommendation of ACMG/AMP guideline.

First Genomix Gene Laboratory, Genetic Diagnostics Department
Classification: Pathogenic for Hypothyroidism due to TSH receptor mutations. Last evaluated: 2025-09-26. Review status: criteria provided, single submitter. Criteria: ACMG Guidelines, 2015. Collection method: clinical testing. Allele origin: germline. Inheritance: Autosomal recessive inheritance. Affected: no. Observed: 1 variant allele.

Women's Health and Genetics/Laboratory Corporation of America, LabCorp
Classification: Pathogenic for Hypothyroidism due to TSH receptor mutations. Last evaluated: 2024-09-16. Review status: criteria provided, single submitter. Criteria: LabCorp Variant Classification Summary - May 2015. Collection method: clinical testing. Allele origin: germline.
Comment: Variant summary: TSHR c.1957C>G (p.Leu653Val) results in a conservative amino acid change located in the GPCR, rhodopsin-like, 7TM domain (IPR017452) of the encoded protein sequence. Four of five in-silico tools predict a damaging effect of the variant on protein function. The variant was absent in 251486 control chromosomes. c.1957C>G has been reported in the literature in multiple homozygous individuals in a consanguineous family affected with Hypothyroidism Due To TSH Receptor Mutations (Grasberger_2007). These data indicate that the variant is very likely to be associated with disease. At least one publication reports experimental evidence evaluating an impact on protein function. The most pronounced variant effect results in more than 80% reduction in TSH-induced inositol phosphates and significantly higher concentration of TSH required to elicit cAMP-IP signaling cascades in an in vitro cellular assay (Grasberger_2007). The following publications have been ascertained in the context of this evaluation (PMID: 17456567, 19240155, 25557138). ClinVar contains an entry for this variant (Variation ID: 2736138). Based on the evidence outlined above, the variant was classified as pathogenic.

Labcorp Genetics (formerly Invitae), Labcorp
Classification: Pathogenic. Last evaluated: 2023-02-16. Review status: criteria provided, single submitter. Criteria: Invitae Variant Classification Sherloc (09022015). Collection method: clinical testing. Allele origin: germline.
Comment: This sequence change replaces leucine, which is neutral and non-polar, with valine, which is neutral and non-polar, at codon 653 of the TSHR protein (p.Leu653Val). For these reasons, this variant has been classified as Pathogenic. Experimental studies have shown that this missense change affects TSHR function (PMID: 17456567). Advanced modeling of protein sequence and biophysical properties (such as structural, functional, and spatial information, amino acid conservation, physicochemical variation, residue mobility, and thermodynamic stability) performed at Invitae indicates that this missense variant is expected to disrupt TSHR protein function. This missense change has been observed in individual(s) with autosomal recessive TSHR-related conditions (PMID: 17456567, 19240155). It has also been observed to segregate with disease in related individuals. This variant is not present in population databases (gnomAD no frequency).

Literature cited by the submitters: PubMed 17456567 (cited by 4 submitters); PubMed 19240155 (cited by 4 submitters); PubMed 437071 (cited by Department of Molecular Genetics, Istishari Arab Hospital and 3billion); PubMed 25557138 (cited by Women's Health and Genetics/Laboratory Corporation of America, LabCorp).

NM_000369.5(TSHR):c.1957C>G (p.Leu653Val)

Genes: TSHR (thyroid stimulating hormone receptor; plus strand), TSHR-AS1 (TSHR antisense RNA 1; minus strand). Cytogenetic location: 14q31.1.
Variant type: single nucleotide variant.
Coding change: c.1957C>G on transcript NM_000369.5 (MANE Select); coding-DNA position 1957, C replaced by G.
Protein change: p.Leu653Val; replaces leucine 653 with valine.
Molecular consequence: missense variant.
Genome position (GRCh38, 1-based): chr14:81,144,015, C>G. VCF-style: chr14-81144015-C-G. GRCh37 (hg19) VCF-style: chr14-81610359-C-G.
Other names: p.Leu653Val; short protein forms L653V.
Identifiers: ClinVar variation 2736138 (VCV002736138.6), dbSNP rs2503950061, ClinGen allele CA390728985.